The following is an entry in ClinVar:

ClinVar aggregate classification (germline): Uncertain significance (0 of 4 stars; one submission).

Conditions:
PLXNA3-related disorder. Also called: PLXNA3-related condition.

gnomAD v4.1: 6 of 1,209,374 alleles (0.0005%); highest among the groups gnomAD compares: Non-Finnish European, 0.00067%; no homozygotes.

Submission:

PreventionGenetics, part of Exact Sciences
Classification: Uncertain significance for PLXNA3-related condition. Last evaluated: 2024-03-12. Review status: no assertion criteria provided. Collection method: clinical testing. Allele origin: germline.
Comment: The PLXNA3 c.2656G>T variant is predicted to result in the amino acid substitution p.Ala886Ser. To our knowledge, this variant has not been reported in the literature. This variant is reported in 0.0013% of alleles in individuals of European (Non-Finnish) descent in gnomAD. At this time, the clinical significance of this variant is uncertain due to the absence of conclusive functional and genetic evidence.

NM_017514.5(PLXNA3):c.2656G>T (p.Ala886Ser)

Gene: PLXNA3 (plexin A3; plus strand). Cytogenetic location: Xq28.
Variant type: single nucleotide variant.
Coding change: c.2656G>T on transcript NM_017514.5 (MANE Select); coding-DNA position 2656, G replaced by T.
Protein change: p.Ala886Ser; replaces alanine 886 with serine.
Molecular consequence: missense variant.
Genome position (GRCh38, 1-based): chrX:154,466,058, G>T. VCF-style: chrX-154466058-G-T. GRCh37 (hg19) VCF-style: chrX-153694401-G-T.
Other names: short protein forms A886S.
Identifiers: ClinVar variation 3354820 (VCV003354820.1).